The following is an entry in ClinVar:

ClinVar aggregate classification (germline): Likely benign (1 of 4 stars; one submission).

Conditions:
EPS8-related disorder. Also called: EPS8-related condition.

gnomAD v4.1: 263 of 1,613,812 alleles (0.016%); highest among the groups gnomAD compares: Non-Finnish European, 0.022%; 1 homozygote.

Submission:

PreventionGenetics, part of Exact Sciences
Classification: Likely benign for EPS8-related condition. Last evaluated: 2025-03-14. Review status: criteria provided, single submitter. Criteria: ACMG Guidelines, 2015. Collection method: clinical testing. Allele origin: germline.
Comment: This variant is classified as likely benign based on ACMG/AMP sequence variant interpretation guidelines (Richards et al. 2015 PMID: 25741868, with internal and published modifications).

NM_004447.6(EPS8):c.1854T>C (p.Ala618=)

Gene: EPS8 (EGFR pathway substrate 8, signaling adaptor; minus strand). Cytogenetic location: 12p12.3.
Variant type: single nucleotide variant.
Coding change: c.1854T>C on transcript NM_004447.6 (MANE Select); coding-DNA position 1854, T replaced by C.
Protein change: p.Ala618=; no amino-acid change (alanine 618 retained).
Molecular consequence: synonymous variant. On other transcripts: non-coding transcript variant (3).
Genome position (GRCh38, 1-based): chr12:15,631,632, A>G on the plus strand (T>C on the coding strand, the complement: EPS8 is on the minus strand). VCF-style: chr12-15631632-A-G. GRCh37 (hg19) VCF-style: chr12-15784566-A-G.
Other names: c.1890T>C, p.Ala630= (NM_001413831.1); c.1854T>C, p.Ala618= (NM_001413832.1, NM_001413833.1, NM_001413834.1); c.1614T>C, p.Ala538= (NM_001413835.1, NM_001413836.1); c.1437T>C, p.Ala479= (NM_001413837.1); c.1074T>C, p.Ala358= (NM_001413838.1).
Identifiers: ClinVar variation 4980479 (VCV004980479.1).